The following is an entry in ClinVar:

ClinVar aggregate classification (germline): Pathogenic. Review status: reviewed by expert panel (3 of 4 stars). 2 submissions from 2 submitters: Pathogenic (1). 1 of the submissions does not count toward it. Last evaluated 2024-05-28.

Conditions:
X-linked severe combined immunodeficiency (SCIDX1). Also called: IMMUNODEFICIENCY 4; SCID, X-LINKED; SEVERE COMBINED IMMUNODEFICIENCY, X-LINKED, T CELL-NEGATIVE, B CELL-POSITIVE, NK CELL-NEGATIVE; T-B+ severe combined immunodeficiency due to gamma chain deficiency; X-Linked Combined Immunodeficiency Diseases. Identifiers: Orphanet 276, MedGen C6022468, MONDO:0010315, OMIM 300400. Disease mechanism: loss of function.

Submissions (2):

ClinGen Severe Combined Immunodeficiency Variant Curation Expert Panel, ClinGen
Classification: Pathogenic for X-linked severe combined immunodeficiency. Last evaluated: 2024-05-28. Review status: reviewed by expert panel. Criteria: ClinGen SCID ACMG Specifications IL2RG V1.0.0. Collection method: curation. Allele origin: germline. Inheritance: X-linked inheritance.
Comment: The c.115+1G>T (NM_000206.3) variant in IL2RG occurs within the canonical donor splice site (+1) of intron 1. It is expected to disrupt RNA splicing, disrupt the reading frame, and is predicted to undergo NMD. (PVS1). The variant is absent in gnomAD v4 (PM2_supporting). In summary, this variant meets the criteria to be classified as a Pathogenic variant for X-linked severe combined immunodeficiency due to IL2RG deficiency based on the ACMG/AMP criteria applied, as specified by the ClinGen SCID VCEP: PVS1,PM2_supporting,PP4_Moderate (VCEP specifications version 1).

Revvity Omics, Revvity
Classification: Pathogenic. Last evaluated: 2020-04-03. Review status: criteria provided, single submitter. Criteria: ACMG Guidelines, 2015. Collection method: clinical testing. Allele origin: germline. Not counted in ClinVar's aggregate classification.

NM_000206.3(IL2RG):c.115+1G>T

Genes: IL2RG (interleukin 2 receptor subunit gamma; minus strand), LOC126863274 (MED14-independent group 3 enhancer GRCh37_chrX:70330888-70332087; plus strand). Cytogenetic location: Xq13.1.
Variant type: single nucleotide variant.
Coding change: c.115+1G>T on transcript NM_000206.3 (MANE Select); the canonical splice donor site of the intron after coding-DNA position 115, G replaced by T.
Molecular consequence: splice donor variant.
Genome position (GRCh38, 1-based): chrX:71,111,424, C>A on the plus strand (G>T on the coding strand, the complement: IL2RG is on the minus strand). VCF-style: chrX-71111424-C-A. GRCh37 (hg19) VCF-style: chrX-70331274-C-A.
Identifiers: ClinVar variation 1323112 (VCV001323112.4), dbSNP rs2147751762, ClinGen allele CA413497548.